The following is an entry in ClinVar:

NM_007294.4(BRCA1):c.3104T>C (p.Val1035Ala)

Gene: BRCA1 (BRCA1 DNA repair associated; minus strand). Cytogenetic location: 17q21.31.
Variant type: single nucleotide variant.
Coding change: c.3104T>C on transcript NM_007294.4 (MANE Select); coding-DNA position 3104, T replaced by C.
Protein change: p.Val1035Ala; replaces valine 1035 with alanine.
Molecular consequence: missense variant. On other transcripts: intron variant (137).
Genome position (GRCh38, 1-based): chr17:43,092,427, A>G on the plus strand (T>C on the coding strand, the complement: BRCA1 is on the minus strand). VCF-style: chr17-43092427-A-G. GRCh37 (hg19) VCF-style: chr17-41244444-A-G.
Other names: c.2981T>C, p.Val994Ala (NM_001407675.1, NM_001407676.1, NM_001407677.1 and 19 more transcripts); c.3104T>C, p.Val1035Ala (NM_001407684.1, NM_001407581.1, NM_001407582.1 and 30 more transcripts); c.2963T>C, p.Val988Ala (NM_001407695.1, NM_001407696.1, NM_001407697.1 and 29 more transcripts); c.2960T>C, p.Val987Ala (NM_001407740.1, NM_001407741.1, NM_001407742.1 and 20 more transcripts); c.2891T>C, p.Val964Ala (NM_001407853.1, NM_001407894.1, NM_001407895.1 and 9 more transcripts); c.2894T>C, p.Val965Ala (NM_001407879.1, NM_001407881.1, NM_001407882.1 and 13 more transcripts); c.2840T>C, p.Val947Ala (NM_001407920.1, NM_001407921.1, NM_001407933.1 and 9 more transcripts); c.2837T>C, p.Val946Ala (NM_001407931.1, NM_001407932.1, NM_001407934.1 and 2 more transcripts); and 41 more; short protein forms V1035A, V988A, V739A, V965A, V968A, V987A, V994A, V1032A.
Identifiers: ClinVar variation 531214 (VCV000531214.17), dbSNP rs1555588389, ClinGen allele CA10595778.

ClinVar aggregate classification (germline): Conflicting classifications of pathogenicity. Review status: criteria provided, conflicting classifications (1 of 4 stars). 4 submissions from 4 submitters: Uncertain significance (2); Likely benign (2). Last evaluated 2025-08-11.

Conditions:
Hereditary breast ovarian cancer syndrome. Also called: Breast and ovarian cancer; Hereditary breast and/or ovarian cancer syndrome; BRCA1- and BRCA2-Associated Hereditary Breast and Ovarian Cancer; Hereditary breast and ovarian cancer syndrome; Hereditary breast and ovarian cancer syndrome (HBOC); Hereditary breast and ovarian cancer. Identifiers: Orphanet 145, MedGen C0677776, MeSH D061325, MONDO:0003582. Disease mechanism: loss of function.
Hereditary cancer-predisposing syndrome. Also called: Tumor predisposition; Hereditary Cancer Syndrome; Hereditary neoplastic syndrome; Neoplastic Syndromes, Hereditary. Identifiers: Orphanet 140162, MedGen C0027672, MeSH D009386, MONDO:0015356.
Familial cancer of breast. Also called: BREAST CANCER, FAMILIAL; Hereditary breast cancer; hereditary breast carcinoma. Identifiers: Orphanet 227535, MedGen C0346153, MONDO:0016419, OMIM 114480. Disease mechanism: loss of function.
Breast-ovarian cancer, familial, susceptibility to, 1 (BROVCA1). Also called: BRCA1 Hereditary Breast and Ovarian Cancer; OVARIAN CANCER, SUSCEPTIBILITY TO. Identifiers: Orphanet 145, MedGen C2676676, MONDO:0011450, OMIM 604370. Disease mechanism: loss of function.
Pancreatic cancer, susceptibility to, 4. Identifiers: Orphanet 1333, MedGen C3280442, MONDO:0013685, OMIM 614320.
Fanconi anemia, complementation group S (FANCS). Identifiers: MedGen C4554406, MONDO:0054748, OMIM 617883.

Submissions (4):

Labcorp Genetics (formerly Invitae), Labcorp
Classification: Uncertain significance for Hereditary breast ovarian cancer syndrome. Last evaluated: 2025-08-11. Review status: criteria provided, single submitter. Criteria: Invitae Variant Classification Sherloc (09022015). Collection method: clinical testing. Allele origin: germline.
Comment: This sequence change replaces valine, which is neutral and non-polar, with alanine, which is neutral and non-polar, at codon 1035 of the BRCA1 protein (p.Val1035Ala). This variant is not present in population databases (gnomAD no frequency). This variant has not been reported in the literature in individuals affected with BRCA1-related conditions. ClinVar contains an entry for this variant (Variation ID: 531214). Invitae Evidence Modeling of protein sequence and biophysical properties (such as structural, functional, and spatial information, amino acid conservation, physicochemical variation, residue mobility, and thermodynamic stability) indicates that this missense variant is not expected to disrupt BRCA1 protein function with a negative predictive value of 80%. In summary, the available evidence is currently insufficient to determine the role of this variant in disease. Therefore, it has been classified as a Variant of Uncertain Significance.

University of Washington Department of Laboratory Medicine, University of Washington
Classification: Likely benign for Hereditary cancer-predisposing syndrome. Last evaluated: 2023-03-23. Review status: criteria provided, single submitter. Criteria: Dines et al. (Genet Med. 2020). Collection method: curation. Allele origin: germline.
Comment: Missense variant in a coldspot region where missense variants are very unlikely to be pathogenic (PMID:31911673).

BRCA1 coldspot (exon 11 using historical exon numbering). Reclassification based on statistical prior probability

Ambry Genetics
Classification: Likely benign for Hereditary cancer-predisposing syndrome. Last evaluated: 2023-02-28. Review status: criteria provided, single submitter. Criteria: Ambry Variant Classification Scheme 2023. Collection method: clinical testing. Allele origin: germline.

Fulgent Genetics
Classification: Uncertain significance for Familial cancer of breast; Breast-ovarian cancer, familial, susceptibility to, 1; Pancreatic cancer, susceptibility to, 4; Fanconi anemia, complementation group S. Last evaluated: 2018-10-31. Review status: criteria provided, single submitter. Criteria: ACMG Guidelines, 2015. Collection method: clinical testing. Allele origin: unknown.